The following is an entry in ClinVar:

ClinVar aggregate classification (germline): Uncertain significance (1 of 4 stars; one submission).

Conditions:
Hereditary cancer-predisposing syndrome. Also called: Hereditary neoplastic syndrome; Hereditary Cancer Syndrome; Neoplastic Syndromes, Hereditary; Tumor predisposition. Identifiers: Orphanet 140162, MedGen C0027672, MeSH D009386, MONDO:0015356.

Submission:

Ambry Genetics
Classification: Uncertain significance for Hereditary cancer-predisposing syndrome. Last evaluated: 2023-06-12. Review status: criteria provided, single submitter. Criteria: Ambry Variant Classification Scheme 2023. Collection method: clinical testing. Allele origin: germline.
Comment: The p.K334M variant (also known as c.1001A>T), located in coding exon 9 of the NBN gene, results from an A to T substitution at nucleotide position 1001. The lysine at codon 334 is replaced by methionine, an amino acid with similar properties. This amino acid position is conserved. In addition, this alteration is predicted to be tolerated by in silico analysis. Since supporting evidence is limited at this time, the clinical significance of this alteration remains unclear.

NM_002485.5(NBN):c.1001A>T (p.Lys334Met)

Gene: NBN (nibrin; minus strand). Cytogenetic location: 8q21.3.
Variant type: single nucleotide variant.
Coding change: c.1001A>T on transcript NM_002485.5 (MANE Select); coding-DNA position 1001, A replaced by T.
Protein change: p.Lys334Met; replaces lysine 334 with methionine.
Molecular consequence: missense variant.
Genome position (GRCh38, 1-based): chr8:89,958,848, T>A on the plus strand (A>T on the coding strand, the complement: NBN is on the minus strand). VCF-style: chr8-89958848-T-A. GRCh37 (hg19) VCF-style: chr8-90971076-T-A.
Other names: c.755A>T, p.Lys252Met (NM_001024688.3); short protein forms K252M, K334M.
Identifiers: ClinVar variation 2566746 (VCV002566746.2), dbSNP rs2488261541, ClinGen allele CA371656809.